The following is an entry in ClinVar:

ClinVar aggregate classification (germline): Pathogenic/Likely pathogenic. Review status: criteria provided, multiple submitters, no conflicts (2 of 4 stars). 2 submissions from 2 submitters: Pathogenic (1); Likely pathogenic (1). Last evaluated 2024-09-19.

Conditions:
Usher syndrome type 2A. Also called: USHER SYNDROME, TYPE IIA; RETINAL DISEASE IN USHER SYNDROME TYPE IIA, MODIFIER OF. Identifiers: Orphanet 231178, Orphanet 886, MedGen C1848634, MONDO:0010169, OMIM 276901.

Submissions (2):

Natera, Inc.
Classification: Likely pathogenic for Usher syndrome type 2A. Last evaluated: 2024-09-19. Review status: criteria provided, single submitter. Criteria: Natera Variant Classification Schema (03/2026). Collection method: clinical testing. Allele origin: germline.
Comment: The c.12164del variant in USH2A is a frameshift variant predicted to shift the reading frame beginning at codon 4055 and leads to a stop codon 4 codons downstream. This variant is expected to result in nonsense mediated decay, truncation, or a dysfunctional protein product. This variant is rare in the general population with a frequency below the threshold expected for the associated phenotype(s). Given the available evidence, this variant is classified as Likely Pathogenic.

Labcorp Genetics (formerly Invitae), Labcorp
Classification: Pathogenic. Last evaluated: 2023-10-03. Review status: criteria provided, single submitter. Criteria: Invitae Variant Classification Sherloc (09022015). Collection method: clinical testing. Allele origin: germline.
Comment: This sequence change creates a premature translational stop signal (p.Pro4055Leufs*4) in the USH2A gene. It is expected to result in an absent or disrupted protein product. Loss-of-function variants in USH2A are known to be pathogenic (PMID: 10729113, 10909849, 20507924, 25649381). This variant is not present in population databases (gnomAD no frequency). This variant has not been reported in the literature in individuals affected with USH2A-related conditions. ClinVar contains an entry for this variant (Variation ID: 1362255). For these reasons, this variant has been classified as Pathogenic.

Literature cited by the submitters: PubMed 10729113 (cited by Labcorp Genetics (formerly Invitae), Labcorp); PubMed 10909849 (cited by Labcorp Genetics (formerly Invitae), Labcorp); PubMed 20507924 (cited by Labcorp Genetics (formerly Invitae), Labcorp); PubMed 25649381 (cited by Labcorp Genetics (formerly Invitae), Labcorp).

NM_206933.4(USH2A):c.12164del (p.Pro4055fs)

Gene: USH2A (usherin; minus strand). Cytogenetic location: 1q41.
Variant type: Deletion.
Coding change: c.12164del on transcript NM_206933.4 (MANE Select); coding-DNA position 12164, one base deleted (C; older notation c.12164delC).
Protein change: p.Pro4055fs; shifts the reading frame from proline 4055.
Molecular consequence: frameshift variant.
Genome position (GRCh38, 1-based): chr1:215,680,279, G deleted on the plus strand (C on the coding strand, the reverse complement: USH2A is on the minus strand); the first of 3 consecutive G bases (chr1:215,680,279-215,680,281); deleting any one gives the same sequence. VCF-style (leftmost placement, unchanged base first): chr1-215680278-AG-A. GRCh37 (hg19) VCF-style: chr1-215853620-AG-A.
Other names: c.12164del (NM_206933.2); short protein forms P4055fs.
Identifiers: ClinVar variation 1362255 (VCV001362255.7), dbSNP rs2102671802, ClinGen allele CA2573131610.